The following is an entry in ClinVar:

NM_000214.3(JAG1):c.845G>C (p.Cys282Ser)

Gene: JAG1 (jagged canonical Notch ligand 1; minus strand). Cytogenetic location: 20p12.2.
Variant type: single nucleotide variant.
Coding change: c.845G>C on transcript NM_000214.3 (MANE Select); coding-DNA position 845, G replaced by C.
Protein change: p.Cys282Ser; replaces cysteine 282 with serine.
Molecular consequence: missense variant.
Genome position (GRCh38, 1-based): chr20:10,652,509, C>G on the plus strand (G>C on the coding strand, the complement: JAG1 is on the minus strand). VCF-style: chr20-10652509-C-G. GRCh37 (hg19) VCF-style: chr20-10633157-C-G.
Other names: short protein forms C282S.
Identifiers: ClinVar variation 3573131 (VCV003573131.2).

Conditions:
Arteriohepatic dysplasia. Also called: Alagille Syndrome. Identifiers: Orphanet 52, MedGen C0085280, MeSH D016738, MONDO:0007318.

Submission:

Gilbert/Spinner Lab, Children's Hospital of Philadelphia
No classification provided (evidence only). Condition: Alagille syndrome. Review status: no classification provided. Collection method: research. Allele origin: not applicable. Functional consequence: functionally_abnormal.
ClinVar note: "not provided" was previously submitted as the classification for the variant. However, the classification appeared to be based only on an observation of functional data so it was converted to no classification on 2025-07-30.